The following is an entry in ClinVar:

ClinVar aggregate classification (germline): Uncertain significance (1 of 4 stars; one submission).

Submission:

CeGaT Center for Human Genetics Tuebingen
Classification: Uncertain significance. Last evaluated: 2024-05-01. Review status: criteria provided, single submitter. Criteria: CeGaT Center For Human Genetics Tuebingen Variant Classification Criteria Version 2. Collection method: clinical testing. Allele origin: germline. Affected: yes. Observed: 1 variant allele.
Comment: PSEN2: PM2, PP3, PS4:Supporting

NM_000447.3(PSEN2):c.368C>T (p.Pro123Leu)

Gene: PSEN2 (presenilin 2; plus strand). Cytogenetic location: 1q42.13.
Variant type: single nucleotide variant.
Coding change: c.368C>T on transcript NM_000447.3 (MANE Select); coding-DNA position 368, C replaced by T.
Protein change: p.Pro123Leu; replaces proline 123 with leucine.
Molecular consequence: missense variant.
Genome position (GRCh38, 1-based): chr1:226,885,549, C>T. VCF-style: chr1-226885549-C-T. GRCh37 (hg19) VCF-style: chr1-227073250-C-T.
Other names: c.368C>T, p.Pro123Leu (NM_012486.3); short protein forms P123L.
Identifiers: ClinVar variation 3239595 (VCV003239595.19), dbSNP rs2527962854.